The following is an entry in ClinVar:

NM_153240.5(NPHP3):c.3059G>A (p.Gly1020Asp)

Genes: NPHP3 (nephrocystin 3; minus strand), NPHP3-ACAD11 (NPHP3-ACAD11 readthrough (NMD candidate); minus strand). Cytogenetic location: 3q22.1.
Variant type: single nucleotide variant.
Coding change: c.3059G>A on transcript NM_153240.5 (MANE Select); coding-DNA position 3059, G replaced by A.
Protein change: p.Gly1020Asp; replaces glycine 1020 with aspartic acid.
Molecular consequence: missense variant. On other transcripts: non-coding transcript variant (1).
Genome position (GRCh38, 1-based): chr3:132,688,716, C>T on the plus strand (G>A on the coding strand, the complement: NPHP3 is on the minus strand). VCF-style: chr3-132688716-C-T. GRCh37 (hg19) VCF-style: chr3-132407560-C-T.
Other names: c.3059G>A (NM_153240.4); short protein forms G1020D.
Identifiers: ClinVar variation 498330 (VCV000498330.10), dbSNP rs146097715, ClinGen allele CA2621855.
Genomic context (GRCh38, chr3:132,688,716, plus strand): 5'-TGTTTCTGGTACAAAGTTGCAAGTGCTTCAAGTTCACGAGCAGTATATGGATGGTCCGCA[C>T]CATAAGCATTTTCTGAGATTTCCAACGCCTGTTTATACAGTTGTTCTGCATTGCCAAACT-3'
Protein context (NP_694972.3, residues 1010-1030): QALEISENAY[Gly1020Asp]ADHPYTAREL

ClinVar aggregate classification (germline): Uncertain significance. Review status: criteria provided, multiple submitters, no conflicts (2 of 4 stars). 4 submissions from 4 submitters: Uncertain significance (4). Last evaluated 2025-06-25.

Conditions:
NPHP3-related disorder. Also called: NPHP3-related condition; NPHP3-related disorders. Identifiers: MedGen CN379163.
Nephronophthisis. Also called: Juvenile Nephronophthisis. Identifiers: Orphanet 655, MedGen C0687120, MONDO:0019005, HP:0000090.
NPHP3-related Meckel-like syndrome. Also called: GOLDSTON SYNDROME; Meckel syndrome type 7. Identifiers: Orphanet 3032, MedGen C2673885, MONDO:0009966, OMIM 267010.
Nephronophthisis 3 (NPHP3). Also called: Adolescent nephronophthisis. Identifiers: Orphanet 655, MedGen C1858392, MONDO:0011456, OMIM 604387.
Renal-hepatic-pancreatic dysplasia 1 (RHPD1). Identifiers: MedGen C3715199, MONDO:0008833, OMIM 208540.

Allele frequency attached by ClinVar (database versions not stated): ExAC 0.00002; TOPMed 0.00003.
gnomAD v4.1: 48 of 1,613,962 alleles (0.003%); highest among the groups gnomAD compares: Admixed American, 0.0067%; no homozygotes.

Submissions (4):

PreventionGenetics, part of Exact Sciences
Classification: Uncertain significance for NPHP3-related condition. Last evaluated: 2025-06-25. Review status: criteria provided, single submitter. Criteria: ACMG Guidelines, 2015. Collection method: clinical testing. Allele origin: germline.
Comment: The NPHP3 c.3059G>A variant is predicted to result in the amino acid substitution p.Gly1020Asp. To our knowledge, this variant has not been reported in the literature. This variant is reported in 0.0035% of alleles in individuals of European (Non-Finnish) descent in gnomAD. At this time, the clinical significance of this variant is uncertain due to the absence of conclusive functional and genetic evidence.

Labcorp Genetics (formerly Invitae), Labcorp
Classification: Uncertain significance for Nephronophthisis. Last evaluated: 2024-10-03. Review status: criteria provided, single submitter. Criteria: Invitae Variant Classification Sherloc (09022015). Collection method: clinical testing. Allele origin: germline.
Comment: This sequence change replaces glycine, which is neutral and non-polar, with aspartic acid, which is acidic and polar, at codon 1020 of the NPHP3 protein (p.Gly1020Asp). This variant is present in population databases (rs146097715, gnomAD 0.004%). This variant has not been reported in the literature in individuals affected with NPHP3-related conditions. ClinVar contains an entry for this variant (Variation ID: 498330). Invitae Evidence Modeling of protein sequence and biophysical properties (such as structural, functional, and spatial information, amino acid conservation, physicochemical variation, residue mobility, and thermodynamic stability) indicates that this missense variant is not expected to disrupt NPHP3 protein function with a negative predictive value of 80%. In summary, the available evidence is currently insufficient to determine the role of this variant in disease. Therefore, it has been classified as a Variant of Uncertain Significance.

Fulgent Genetics
Classification: Uncertain significance for Renal-hepatic-pancreatic dysplasia 1; NPHP3-related Meckel-like syndrome; Nephronophthisis 3. Last evaluated: 2021-11-02. Review status: criteria provided, single submitter. Criteria: ACMG Guidelines, 2015. Collection method: clinical testing. Allele origin: unknown.

Eurofins Ntd Llc (ga)
Classification: Uncertain significance. Last evaluated: 2016-11-01. Review status: criteria provided, single submitter. Criteria: EGL Classification Definitions 2015. Collection method: clinical testing. Allele origin: germline. Observed: 1 variant allele, 1 heterozygote.